The following is an entry in ClinVar:

NM_002160.4(TNC):c.5906C>T (p.Thr1969Ile)

Gene: TNC (tenascin C; minus strand). Cytogenetic location: 9q33.1.
Variant type: single nucleotide variant.
Coding change: c.5906C>T on transcript NM_002160.4 (MANE Select); coding-DNA position 5906, C replaced by T.
Protein change: p.Thr1969Ile; replaces threonine 1969 with isoleucine.
Molecular consequence: missense variant.
Genome position (GRCh38, 1-based): chr9:115,031,567, G>A on the plus strand (C>T on the coding strand, the complement: TNC is on the minus strand). VCF-style: chr9-115031567-G-A. GRCh37 (hg19) VCF-style: chr9-117793846-G-A.
Other names: c.5360C>T, p.Thr1787Ile (NM_001410991.1); short protein forms T1787I, T1969I.
Identifiers: ClinVar variation 2362299 (VCV002362299.4), dbSNP rs199684970, ClinGen allele CA5207505.

ClinVar aggregate classification (germline): Uncertain significance. Review status: criteria provided, single submitter (1 of 4 stars). 2 submissions from 2 submitters: Uncertain significance (1). 1 of the submissions does not count toward it. Last evaluated 2021-09-17.

Conditions:
TNC-related disorder. Also called: TNC-related condition.

Allele frequency attached by ClinVar (database versions not stated): gnomAD 0.00001; TOPMed 0.00017.
gnomAD v4.1: 46 of 1,593,168 alleles (0.0029%); highest among the groups gnomAD compares: Admixed American, 0.073%; no homozygotes.

Submissions (2):

Ambry Genetics
Classification: Uncertain significance. Last evaluated: 2021-09-17. Review status: criteria provided, single submitter. Criteria: Ambry Variant Classification Scheme 2023. Collection method: clinical testing. Allele origin: germline.

PreventionGenetics, part of Exact Sciences
Classification: Likely benign for TNC-related condition. Last evaluated: 2023-11-14. Review status: no assertion criteria provided. Collection method: clinical testing. Allele origin: germline. Not counted in ClinVar's aggregate classification.
Comment: This variant is classified as likely benign based on ACMG/AMP sequence variant interpretation guidelines (Richards et al. 2015 PMID: 25741868, with internal and published modifications).